The following is an entry in ClinVar:

ClinVar aggregate classification (germline): Uncertain significance (1 of 4 stars; one submission).

gnomAD v4.1: 3 of 1,613,906 alleles (0.00019%); highest among the groups gnomAD compares: Non-Finnish European, 0.00025%; no homozygotes.

Submission:

Labcorp Genetics (formerly Invitae), Labcorp
Classification: Uncertain significance. Last evaluated: 2021-10-14. Review status: criteria provided, single submitter. Criteria: Invitae Variant Classification Sherloc (09022015). Collection method: clinical testing. Allele origin: germline.
Comment: This sequence change replaces arginine with leucine at codon 369 of the NDUFV1 protein (p.Arg369Leu). The arginine residue is highly conserved and there is a moderate physicochemical difference between arginine and leucine. This variant is present in population databases (rs767193537, ExAC 0.002%). This variant has not been reported in the literature in individuals affected with NDUFV1-related conditions. Advanced modeling of protein sequence and biophysical properties (such as structural, functional, and spatial information, amino acid conservation, physicochemical variation, residue mobility, and thermodynamic stability) performed at Invitae indicates that this missense variant is expected to disrupt NDUFV1 protein function. In summary, the available evidence is currently insufficient to determine the role of this variant in disease. Therefore, it has been classified as a Variant of Uncertain Significance.

NM_007103.4(NDUFV1):c.1106G>T (p.Arg369Leu)

Genes: NDUFV1 (NADH:ubiquinone oxidoreductase core subunit V1; plus strand), LOC126861242 (CDK7 strongly-dependent group 2 enhancer GRCh37_chr11:67379204-67380403; plus strand). Cytogenetic location: 11q13.2.
Variant type: single nucleotide variant.
Coding change: c.1106G>T on transcript NM_007103.4 (MANE Select); coding-DNA position 1106, G replaced by T.
Protein change: p.Arg369Leu; replaces arginine 369 with leucine.
Molecular consequence: missense variant.
Genome position (GRCh38, 1-based): chr11:67,611,922, G>T. VCF-style: chr11-67611922-G-T. GRCh37 (hg19) VCF-style: chr11-67379393-G-T.
Other names: c.1079G>T, p.Arg360Leu (NM_001166102.2); short protein forms R360L, R369L.
Identifiers: ClinVar variation 1496772 (VCV001496772.3), dbSNP rs767193537, ClinGen allele CA6143409.